The following is an entry in ClinVar:

ClinVar aggregate classification (germline): Benign (1 of 4 stars; one submission).

Allele frequency attached by ClinVar (database versions not stated): TOPMed 0.00071; gnomAD 0.00086; gnomAD exomes 0.00094.
gnomAD v4.1: 377 of 398,490 alleles (0.095%); highest among the groups gnomAD compares: Middle Eastern, 0.19%; 1 homozygote.

Submission:

CeGaT Center for Human Genetics Tuebingen
Classification: Benign. Last evaluated: 2026-09-01. Review status: criteria provided, single submitter. Criteria: CeGaT Center For Human Genetics Tuebingen Variant Classification Criteria Version 2. Collection method: clinical testing. Allele origin: germline. Affected: yes. Observed: 24 variant alleles.
Comment: KCNQ1OT1: BS1, BS2

NM_000218.3(KCNQ1):c.1394-15642T>C

Genes: KCNQ1 (potassium voltage-gated channel subfamily Q member 1; plus strand), KCNQ1OT1 (KCNQ1 opposite strand/antisense transcript 1; minus strand). Cytogenetic location: 11p15.5.
Variant type: single nucleotide variant.
Coding change: c.1394-15642T>C on transcript NM_000218.3 (MANE Select); 15642 bases into the intron before coding-DNA position 1394, T replaced by C.
Molecular consequence: intron variant.
Genome position (GRCh38, 1-based): chr11:2,646,319, T>C. VCF-style: chr11-2646319-T-C. GRCh37 (hg19) VCF-style: chr11-2667549-T-C.
Other names: c.1124-15642T>C (NM_001406837.1); c.1298-15642T>C (NM_001406836.1); c.854-15642T>C (NM_001406838.1); c.1013-15642T>C (NM_181798.2).
Identifiers: ClinVar variation 1711287 (VCV001711287.30), dbSNP rs771274050, ClinGen allele CA216158744.